The following is an entry in ClinVar:

NM_024675.4(PALB2):c.675A>G (p.Pro225=)

Gene: PALB2 (partner and localizer of BRCA2; minus strand). Cytogenetic location: 16p12.2.
Variant type: single nucleotide variant.
Coding change: c.675A>G on transcript NM_024675.4 (MANE Select); coding-DNA position 675, A replaced by G.
Protein change: p.Pro225=; no amino-acid change (proline 225 retained).
Molecular consequence: synonymous variant.
Genome position (GRCh38, 1-based): chr16:23,635,871, T>C on the plus strand (A>G on the coding strand, the complement: PALB2 is on the minus strand). VCF-style: chr16-23635871-T-C. GRCh37 (hg19) VCF-style: chr16-23647192-T-C.
Identifiers: ClinVar variation 461014 (VCV000461014.16), dbSNP rs1555461681, ClinGen allele CA494461859.

ClinVar aggregate classification (germline): Benign/Likely benign. Review status: criteria provided, multiple submitters, no conflicts (2 of 4 stars). 3 submissions from 3 submitters: Benign (1); Likely benign (2). Last evaluated 2025-01-10.

Conditions:
Hereditary cancer-predisposing syndrome. Also called: Neoplastic Syndromes, Hereditary; Hereditary Cancer Syndrome; Hereditary neoplastic syndrome; Tumor predisposition. Identifiers: Orphanet 140162, MedGen C0027672, MeSH D009386, MONDO:0015356.
Familial cancer of breast. Also called: BREAST CANCER, FAMILIAL; Hereditary breast cancer; hereditary breast carcinoma. Identifiers: Orphanet 227535, MedGen C0346153, MONDO:0016419, OMIM 114480. Disease mechanism: loss of function.

Submissions (3):

Myriad Genetics, Inc.
Classification: Benign for Familial cancer of breast. Last evaluated: 2025-01-10. Review status: criteria provided, single submitter. Criteria: Myriad Autosomal Dominant, Autosomal Recessive and X-Linked Classification Criteria (2023). Collection method: clinical testing. Allele origin: unknown.
Comment: This variant is considered benign. This variant is a silent/synonymous amino acid change and it is not expected to impact splicing.

Labcorp Genetics (formerly Invitae), Labcorp
Classification: Likely benign for Familial cancer of breast. Last evaluated: 2023-12-29. Review status: criteria provided, single submitter. Criteria: Invitae Variant Classification Sherloc (09022015). Collection method: clinical testing. Allele origin: germline.

Ambry Genetics
Classification: Likely benign for Hereditary cancer-predisposing syndrome. Last evaluated: 2016-11-23. Review status: criteria provided, single submitter. Criteria: Ambry Variant Classification Scheme 2023. Collection method: clinical testing. Allele origin: germline.